The following is an entry in ClinVar:

ClinVar aggregate classification (germline): Uncertain significance (1 of 4 stars; one submission).

gnomAD v4.1: 4 of 1,318,632 alleles (0.0003%); highest among the groups gnomAD compares: South Asian, 0.0049%; no homozygotes.

Submission:

Labcorp Genetics (formerly Invitae), Labcorp
Classification: Uncertain significance. Last evaluated: 2024-08-06. Review status: criteria provided, single submitter. Criteria: Invitae Variant Classification Sherloc (09022015). Collection method: clinical testing. Allele origin: germline.
Comment: This sequence change replaces isoleucine, which is neutral and non-polar, with valine, which is neutral and non-polar, at codon 1206 of the ERCC6L2 protein (p.Ile1206Val). This variant is present in population databases (no rsID available, gnomAD 0.008%). This variant has not been reported in the literature in individuals affected with ERCC6L2-related conditions. Experimental studies and prediction algorithms are not available or were not evaluated, and the functional significance of this variant is currently unknown. In summary, the available evidence is currently insufficient to determine the role of this variant in disease. Therefore, it has been classified as a Variant of Uncertain Significance.

NM_020207.7(ERCC6L2):c.3583A>G (p.Ile1195Val)

Gene: ERCC6L2 (ERCC excision repair 6 like 2; plus strand). Cytogenetic location: 9q22.32.
Variant type: single nucleotide variant.
Coding change: c.3583A>G on transcript NM_020207.7 (MANE Select); coding-DNA position 3583, A replaced by G.
Protein change: p.Ile1195Val; replaces isoleucine 1195 with valine.
Molecular consequence: missense variant. On other transcripts: non-coding transcript variant (1).
Genome position (GRCh38, 1-based): chr9:96,004,610, A>G. VCF-style: chr9-96004610-A-G. GRCh37 (hg19) VCF-style: chr9-98766892-A-G.
Other names: c.3583A>G, p.Ile1195Val (NM_001375292.1, NM_001375291.1); short protein forms I1195V.
Identifiers: ClinVar variation 3607119 (VCV003607119.2).
Genomic context (GRCh38, chr9:96,004,610, plus strand): 5'-TTGCCACACACAAAGAAAGGCCAGCAACCGAGTGAAGGCAGCATTTCACTTCCTCTTTAC[A>G]TTTCAAATCCTGTAAACCAGAAGAAGAAAAAAGTCTACCATACAAACCAGACCACCTTCA-3'
Protein context (NP_064592.3, residues 1185-1205): SEGSISLPLY[Ile1195Val]SNPVNQKKKK